The following is an entry in ClinVar:

ClinVar aggregate classification (germline): Pathogenic. Review status: criteria provided, multiple submitters, no conflicts (2 of 4 stars). 4 submissions from 4 submitters: Pathogenic (3). 1 of the submissions does not count toward it. Last evaluated 2025-12-20.

Conditions:
Jervell and Lange-Nielsen syndrome 1 (JLNS1). Also called: CARDIOAUDITORY SYNDROME OF JERVELL AND LANGE-NIELSEN; DEAFNESS, CONGENITAL, AND FUNCTIONAL HEART DISEASE; PROLONGED QT INTERVAL IN EKG AND SUDDEN DEATH; SURDO-CARDIAC SYNDROME. Identifiers: Orphanet 768, Orphanet 90647, MedGen C4551509, MONDO:0024540, OMIM 220400.
Long QT syndrome (LQTS). Identifiers: MedGen C0023976, MeSH D008133, MONDO:0002442. Disease mechanism: loss of function. Inheritance: Various modes of inheritance.
Cardiovascular phenotype. Identifiers: MedGen CN230736.

Submissions (4):

Labcorp Genetics (formerly Invitae), Labcorp
Classification: Pathogenic for Long QT syndrome. Last evaluated: 2025-12-20. Review status: criteria provided, single submitter. Criteria: Invitae Variant Classification Sherloc (09022015). Collection method: clinical testing. Allele origin: germline.
Comment: This sequence change creates a premature translational stop signal (p.Leu151Glyfs*133) in the KCNQ1 gene. It is expected to result in an absent or disrupted protein product. Loss-of-function variants in KCNQ1 are known to be pathogenic (PMID: 9323054, 19862833). This variant is not present in population databases (gnomAD no frequency). This premature translational stop signal has been observed in individual(s) with autosomal recessive Jervell and Lange-Nielsen syndrome (PMID: 10077519). It has also been observed to segregate with disease in related individuals. ClinVar contains an entry for this variant (Variation ID: 53045). For these reasons, this variant has been classified as Pathogenic.

Ambry Genetics
Classification: Pathogenic for Cardiovascular phenotype. Last evaluated: 2024-10-11. Review status: criteria provided, single submitter. Criteria: Ambry Variant Classification Scheme 2023. Collection method: clinical testing. Allele origin: germline.
Comment: The c.451_452delCT pathogenic mutation, located in coding exon 2 of the KCNQ1 gene, results from a deletion of two nucleotides at nucleotide positions 451 to 452, causing a translational frameshift with a predicted alternate stop codon (p.L151Gfs*133). This variant has been identified in the homozygous state in two siblings of Amish descent with features consistent with Jervell and Lange-Nielsen syndrome (Chen Q et al. Circulation, 1999 Mar;99:1344-7). This variant is considered to be rare based on population cohorts in the Genome Aggregation Database (gnomAD). This alteration is expected to result in loss of function by premature protein truncation or nonsense-mediated mRNA decay. As such, this alteration is interpreted as a disease-causing mutation.

GeneDx
Classification: Pathogenic. Last evaluated: 2024-04-03. Review status: criteria provided, single submitter. Criteria: GeneDx Variant Classification Process June 2021. Collection method: clinical testing. Allele origin: germline. Affected: yes.
Comment: Frameshift variant predicted to result in protein truncation or nonsense mediated decay in a gene for which loss of function is a known mechanism of disease; Identified in the heterozygous state in patients with LQTS referred for genetic testing at GeneDx and in published literature (PMID: 19716085); Not observed at significant frequency in large population cohorts (gnomAD); This variant is associated with the following publications: (PMID: 19716085, 36140355, 33431609, 10077519)

OMIM
Classification: Pathogenic for JERVELL AND LANGE-NIELSEN SYNDROME 1. Last evaluated: 1999-03-16. Review status: no assertion criteria provided. Collection method: literature only. Allele origin: germline. Not counted in ClinVar's aggregate classification.

Literature cited by the submitters: PubMed 9323054 (cited by Labcorp Genetics (formerly Invitae), Labcorp); PubMed 19862833 (cited by Labcorp Genetics (formerly Invitae), Labcorp); PubMed 10077519 (cited by 3 submitters).

NM_000218.3(KCNQ1):c.451_452del (p.Leu151fs)

Gene: KCNQ1 (potassium voltage-gated channel subfamily Q member 1; plus strand). Cytogenetic location: 11p15.5.
Variant type: Deletion.
Coding change: c.451_452del on transcript NM_000218.3 (MANE Select); coding-DNA positions 451 to 452, 2 bases deleted (CT; older notation c.451_452delCT).
Protein change: p.Leu151fs; shifts the reading frame from leucine 151.
Molecular consequence: frameshift variant.
Genome position (GRCh38, 1-based): chr11:2,527,992-2,527,993, CT deleted. VCF-style (leftmost placement, unchanged base first): chr11-2527991-CCT-C. GRCh37 (hg19) VCF-style: chr11-2549221-CCT-C.
Other names: c.451_452delCT, p.Leu151Glyfs (NM_000218.2, NM_001406836.1, NM_001406838.1); c.181_182delCT, p.Leu61Glyfs (NM_001406837.1); c.70_71delCT, p.Leu24Glyfs (NM_181798.2); short protein forms L151fs, L24fs.
Identifiers: ClinVar variation 53045 (VCV000053045.13), dbSNP rs397508110, ClinGen allele CA007133.